The following is an entry in ClinVar:

NM_052867.4(NALCN):c.2118+4A>G

Gene: NALCN (sodium leak channel, non-selective; minus strand). Cytogenetic location: 13q33.1.
Variant type: single nucleotide variant.
Coding change: c.2118+4A>G on transcript NM_052867.4 (MANE Select); 4 bases into the intron after coding-DNA position 2118, A replaced by G.
Molecular consequence: intron variant.
Genome position (GRCh38, 1-based): chr13:101,143,076, T>C on the plus strand (A>G on the coding strand, the complement: NALCN is on the minus strand). VCF-style: chr13-101143076-T-C. GRCh37 (hg19) VCF-style: chr13-101795427-T-C.
Other names: c.2031+4A>G (NM_001350751.2, NM_001350750.2); c.2118+4A>G (NM_001350749.2, NM_001350748.2).
Identifiers: ClinVar variation 4765756 (VCV004765756.1).
Genomic context (GRCh38, chr13:101,143,076, plus strand): 5'-GCGGTTCTTTTCTCAAACATAGATGCTTTTTAGAAGCCTGGTTATTCGAAACAGCAGATC[T>C]TACTTTTTGGTCGATGTATTTGTTGTCCTCAATTGCTGAGCGTTTGGAGTGGTCGCAGGA-3'

ClinVar aggregate classification (germline): Uncertain significance (1 of 4 stars; one submission).

Submission:

Labcorp Genetics (formerly Invitae), Labcorp
Classification: Uncertain significance. Last evaluated: 2025-11-19. Review status: criteria provided, single submitter. Criteria: Invitae Variant Classification Sherloc (09022015). Collection method: clinical testing. Allele origin: germline.
Comment: This sequence change falls in intron 17 of the NALCN gene. It does not directly change the encoded amino acid sequence of the NALCN protein. It affects a nucleotide within the consensus splice site. This variant is not present in population databases (gnomAD no frequency). This variant has not been reported in the literature in individuals affected with NALCN-related conditions. Variants that disrupt the consensus splice site are a relatively common cause of aberrant splicing (PMID: 17576681, 9536098). Algorithms developed to predict the effect of sequence changes on RNA splicing suggest that this variant may disrupt the consensus splice site. In summary, the available evidence is currently insufficient to determine the role of this variant in disease. Therefore, it has been classified as a Variant of Uncertain Significance.

Literature cited by the submitters: PubMed 17576681; PubMed 9536098.